The following is an entry in ClinVar:

NM_001009944.3(PKD1):c.11033del (p.Met3678fs)

Genes: PKD1 (polycystin 1, transient receptor potential channel interacting; minus strand), PKD1-AS1 (PKD1 antisense RNA 1; plus strand). Cytogenetic location: 16p13.3.
Variant type: Deletion.
Coding change: c.11033del on transcript NM_001009944.3 (MANE Select); coding-DNA position 11033, one base deleted (T; older notation c.11033delT).
Protein change: p.Met3678fs; shifts the reading frame from methionine 3678.
Molecular consequence: frameshift variant.
Genome position (GRCh38, 1-based): chr16:2,093,077, A deleted on the plus strand (T on the coding strand, the reverse complement: PKD1 is on the minus strand). VCF-style (leftmost placement, unchanged base first): chr16-2093076-CA-C. GRCh37 (hg19) VCF-style: chr16-2143077-CA-C.
Other names: c.11030del, p.Met3677fs (NM_000296.4); short protein forms M3677fs, M3678fs.
Identifiers: ClinVar variation 522396 (VCV000522396.4), dbSNP rs1555446637, ClinGen allele CA658798506.

ClinVar aggregate classification (germline): Pathogenic. Review status: no assertion criteria provided (0 of 4 stars). 2 submissions from 2 submitters: Pathogenic (2). Last evaluated 2024-01-09.

Conditions:
PKD1-related disorder. Also called: PKD1-related condition.
Polycystic kidney disease, adult type (PKD1). Also called: Polycystic Kidney Disease 1, Autosomal Dominant; Polycystic kidney disease 1; Polycystic kidney disease 1, severe; POLYCYSTIC KIDNEY DISEASE 1 WITH OR WITHOUT POLYCYSTIC LIVER DISEASE; POLYCYSTIC KIDNEY DISEASE, ADULT, TYPE I; Polycystic Kidney, Autosomal Dominant. Identifiers: MedGen C3149841, MONDO:0008263, OMIM 173900.

Submissions (2):

PreventionGenetics, part of Exact Sciences
Classification: Pathogenic for PKD1-related condition. Last evaluated: 2024-01-09. Review status: no assertion criteria provided. Collection method: clinical testing. Allele origin: germline.
Comment: The PKD1 c.11033delT variant is predicted to result in a frameshift and premature protein termination (p.Met3678Serfs*6). This variant has been reported in an individual with polycystic kidney disease (Table S2 of Schönauer et al. 2020. PubMed ID: 32398770). This variant has not been reported in a large population database, indicating this variant is rare. Frameshift variants in PKD1 are expected to be pathogenic. This variant is interpreted as pathogenic.

Bioscientia Institut fuer Medizinische Diagnostik GmbH, Sonic Healthcare
Classification: Pathogenic for Polycystic kidney disease, adult type. Last evaluated: 2017-09-18. Review status: no assertion criteria provided. Collection method: clinical testing. Allele origin: germline. Affected: yes.